The following is an entry in ClinVar:

ClinVar aggregate classification (germline): Pathogenic. Review status: criteria provided, multiple submitters, no conflicts (2 of 4 stars). 2 submissions from 2 submitters: Pathogenic (2). Last evaluated 2023-02-07.

Conditions:
Inborn genetic diseases. Identifiers: MedGen C0950123, MeSH D030342.
DYRK1A-related intellectual disability syndrome (MRD7). Also called: DYRK1A Syndrome; Intellectual developmental disorder, autosomal dominant 7. Identifiers: Orphanet 464306, MedGen C5568143, MONDO:0013578, OMIM 614104.

Submissions (2):

Center for Human Genetics and Genomic Medicine, Uniklinik Rwth Aachen
Classification: Pathogenic for DYRK1A-related intellectual disability syndrome. Last evaluated: 2023-02-07. Review status: criteria provided, single submitter. Criteria: ACMG Guidelines, 2015. Collection method: clinical testing. Allele origin: de novo. Inheritance: Autosomal dominant inheritance. Affected: yes. Observed: 1 heterozygote.
Comment: PMID: 25707398

Ambry Genetics
Classification: Pathogenic for Inborn genetic diseases. Last evaluated: 2019-11-20. Review status: criteria provided, single submitter. Criteria: Ambry exome assertion method (8-5-2015). Collection method: clinical testing. Allele origin: germline. Affected: yes. Observed: 1 variant allele.

Literature cited by the submitters: PubMed 25707398 (cited by Center for Human Genetics and Genomic Medicine, Uniklinik Rwth Aachen and Ambry Genetics).

NM_001347721.2(DYRK1A):c.489+2T>C

Gene: DYRK1A (dual specificity tyrosine phosphorylation regulated kinase 1A; plus strand). Cytogenetic location: 21q22.13.
Variant type: single nucleotide variant.
Coding change: c.489+2T>C on transcript NM_001347721.2 (MANE Select); the canonical splice donor site of the intron after coding-DNA position 489, T replaced by C.
Molecular consequence: splice donor variant.
Genome position (GRCh38, 1-based): chr21:37,480,828, T>C. VCF-style: chr21-37480828-T-C. GRCh37 (hg19) VCF-style: chr21-38853130-T-C.
Other names: c.516+2T>C (NM_001396.5, NM_101395.2, NM_130438.2); c.489+2T>C (NM_001347722.2, NM_130436.2); c.402+2T>C (NM_001347723.2).
Identifiers: ClinVar variation 985691 (VCV000985691.9), dbSNP rs2052613493, ClinGen allele CA409944729.
Genomic context (GRCh38, chr21:37,480,828, plus strand): 5'-AAAAGTGGATGGATCGTTACGAAATTGACTCCTTGATAGGCAAAGGTTCCTTTGGACAGG[T>C]AATTTAATGGAAAATGCTGAATTTCATTAGTTAGAAAGAACTTCTTAGTGAATCTTGTTG-3'